The following is an entry in ClinVar:

ClinVar aggregate classification (germline): Uncertain significance (1 of 4 stars; one submission).

Submission:

Athena Diagnostics
Classification: Uncertain significance. Last evaluated: 2022-12-28. Review status: criteria provided, single submitter. Criteria: Athena Diagnostics Criteria. Collection method: clinical testing. Allele origin: unknown.
Comment: Available data are insufficient to determine the clinical significance of the variant at this time. This variant has not been reported in large, multi-ethnic general populations. Computational tools predict that this variant is damaging.

NM_000540.3(RYR1):c.2087G>T (p.Gly696Val)

Gene: RYR1 (ryanodine receptor 1; plus strand). Cytogenetic location: 19q13.2.
Variant type: single nucleotide variant.
Coding change: c.2087G>T on transcript NM_000540.3 (MANE Select); coding-DNA position 2087, G replaced by T.
Protein change: p.Gly696Val; replaces glycine 696 with valine.
Molecular consequence: missense variant.
Genome position (GRCh38, 1-based): chr19:38,458,212, G>T. VCF-style: chr19-38458212-G-T. GRCh37 (hg19) VCF-style: chr19-38948852-G-T.
Other names: c.2087G>T, p.Gly696Val (NM_001042723.2); short protein forms G696V.
Identifiers: ClinVar variation 2684322 (VCV002684322.1), dbSNP rs2514042679, ClinGen allele CA405697138.